The following is an entry in ClinVar:

ClinVar aggregate classification (germline): Uncertain significance (1 of 4 stars; one submission).

Conditions:
Hypertrophic cardiomyopathy 10. Also called: CARDIOMYOPATHY, HYPERTROPHIC, MID-LEFT VENTRICULAR CHAMBER TYPE, 2; MYL2-Related Familial Hypertrophic Cardiomyopathy. Identifiers: MedGen C1834460, MONDO:0012112, OMIM 608758.

Submission:

Labcorp Genetics (formerly Invitae), Labcorp
Classification: Uncertain significance for Hypertrophic cardiomyopathy 10. Last evaluated: 2022-04-08. Review status: criteria provided, single submitter. Criteria: Invitae Variant Classification Sherloc (09022015). Collection method: clinical testing. Allele origin: germline.
Comment: This variant is a gross deletion of the genomic region encompassing exon(s) 1-2 of the MYL2 gene, which includes the initiator codon. This deletion extends beyond the assayed region for this gene and therefore may encompass additional genes. It is expected to result in an absent or disrupted protein product. However, the current clinical and genetic evidence is not sufficient to establish whether loss-of-function variants in MYL2 cause disease. This variant has not been reported in the literature in individuals affected with MYL2-related conditions. In summary, the available evidence is currently insufficient to determine the role of this variant in disease. Therefore, it has been classified as a Variant of Uncertain Significance.

NC_000012.11:g.(?_111356888)_(111358333_?)del

Gene: MYL2 (myosin light chain 2; minus strand). Cytogenetic location: 12q24.11.
Variant type: Deletion.
Identifiers: ClinVar variation 2423082 (VCV002423082.5).